The following is an entry in ClinVar:

NM_002241.5(KCNJ10):c.1032del (p.Asp344fs)

Gene: KCNJ10 (potassium inwardly rectifying channel subfamily J member 10; minus strand). Cytogenetic location: 1q23.2.
Variant type: Deletion.
Coding change: c.1032del on transcript NM_002241.5 (MANE Select); coding-DNA position 1032, one base deleted (C; older notation c.1032delC).
Protein change: p.Asp344fs; shifts the reading frame from aspartic acid 344.
Molecular consequence: frameshift variant.
Genome position (GRCh38, 1-based): chr1:160,041,501, G deleted on the plus strand (C on the coding strand, the reverse complement: KCNJ10 is on the minus strand). VCF-style (leftmost placement, unchanged base first): chr1-160041500-TG-T. GRCh37 (hg19) VCF-style: chr1-160011290-TG-T.
Other names: short protein forms D344fs.
Identifiers: ClinVar variation 4682195 (VCV004682195.1).
Genomic context (GRCh38, chr1:160,041,500, plus strand): 5'-CTTGCTCCCTTAATGACTCCTCCAACTTGAGCTTTTCAGGGTCTCCGTAGCGTACAGTGC[TG>T]TCACGGAGGCCACTAGGAGAGGCCACTTTCACAACTTGGTCAAAAAGGCTAAAGTCAGCT-3'

ClinVar aggregate classification (germline): Uncertain significance (1 of 4 stars; one submission).

Submission:

Athena Diagnostics
Classification: Uncertain significance. Last evaluated: 2024-12-09. Review status: criteria provided, single submitter. Criteria: Athena Diagnostics Criteria. Collection method: clinical testing. Allele origin: unknown.
Comment: Available data are insufficient to determine the clinical significance of the variant at this time. This variant has not been reported in large, multi-ethnic general populations. This variant is not expected to cause loss of protein expression through nonsense-mediated decay. However, it disrupts a substantial portion of the protein, and therefore, is expected to disrupt function. Computational tools yielded predictions that this variant is unlikely to have an effect on normal RNA splicing.